The following is an entry in ClinVar:

NM_001048174.2(MUTYH):c.1191G>T (p.Gln397His)

Gene: MUTYH (mutY DNA glycosylase; minus strand). Cytogenetic location: 1p34.1.
Variant type: single nucleotide variant.
Coding change: c.1191G>T on transcript NM_001048174.2 (MANE Select); coding-DNA position 1191, G replaced by T.
Protein change: p.Gln397His; replaces glutamine 397 with histidine.
Molecular consequence: missense variant. On other transcripts: non-coding transcript variant (2).
Genome position (GRCh38, 1-based): chr1:45,331,468, C>A on the plus strand (G>T on the coding strand, the complement: MUTYH is on the minus strand). VCF-style: chr1-45331468-C-A. GRCh37 (hg19) VCF-style: chr1-45797140-C-A.
Other names: c.1191G>T, p.Gln397His (NM_001048171.2, NM_001048173.2, NM_001293195.2); c.1194G>T, p.Gln398His (NM_001048172.2); c.1275G>T, p.Gln425His (NM_001128425.2); c.1236G>T, p.Gln412His (NM_001293190.2); c.1224G>T, p.Gln408His (NM_001293191.2); c.915G>T, p.Gln305His (NM_001293192.2, NM_001293196.2); c.846G>T, p.Gln282His (NM_001350650.2, NM_001350651.2); c.1266G>T, p.Gln422His (NM_012222.3); short protein forms Q425H, Q397H, Q398H, Q282H, Q408H, Q412H, Q422H, Q305H.
Identifiers: ClinVar variation 483899 (VCV000483899.4), dbSNP rs1553125748, ClinGen allele CA340132910.

ClinVar aggregate classification (germline): Uncertain significance (1 of 4 stars; one submission).

Conditions:
Hereditary cancer-predisposing syndrome. Also called: Neoplastic Syndromes, Hereditary; Tumor predisposition; Hereditary Cancer Syndrome; Hereditary neoplastic syndrome. Identifiers: Orphanet 140162, MedGen C0027672, MeSH D009386, MONDO:0015356.

Submission:

Ambry Genetics
Classification: Uncertain significance for Hereditary cancer-predisposing syndrome. Last evaluated: 2015-12-31. Review status: criteria provided, single submitter. Criteria: Ambry Variant Classification Scheme 2023. Collection method: clinical testing. Allele origin: germline.
Comment: The p.Q425H variant (also known as c.1275G>T), located in coding exon 13 of the MUTYH gene, results from a G to T substitution at nucleotide position 1275. The glutamine at codon 425 is replaced by histidine, an amino acid with highly similar properties. This variant was not reported in population based cohorts in the following databases: Database of Single Nucleotide Polymorphisms (dbSNP), NHLBI Exome Sequencing Project (ESP), and 1000 Genomes Project. In the ESP, this variant was not observed in 6503 samples (13006 alleles) with coverage at this position. To date, this alteration has been detected with an allele frequency of approximately 0.001% (greater than 140000 alleles tested) in our clinical cohort. This amino acid position is not well conserved in available vertebrate species. In addition, this alteration is predicted to be possibly damaging and tolerated by PolyPhen and SIFT in silico analyses, respectively. Since supporting evidence is limited at this time, the clinical significance of p.Q425H remains unclear.